The following is an entry in ClinVar:

NM_001127511.3(APC):c.36T>C (p.Pro12=)

Gene: APC (APC regulator of Wnt signaling pathway; plus strand). Cytogenetic location: 5q22.2.
Variant type: single nucleotide variant.
Coding change: c.36T>C on transcript NM_001127511.3; coding-DNA position 36, T replaced by C.
Protein change: p.Pro12=; no amino-acid change (proline 12 retained).
Molecular consequence: synonymous variant. On other transcripts: 5 prime UTR variant (8), non-coding transcript variant (1), intron variant (5).
Genome position (GRCh38, 1-based): chr5:112,707,753, T>C. VCF-style: chr5-112707753-T-C. GRCh37 (hg19) VCF-style: chr5-112043450-T-C.
Other names: c.-148T>C (NM_001354895.2, NM_001407447.1, NM_001407452.1 and 3 more transcripts); c.36T>C, p.Pro12= (NM_001354897.2, NM_001354902.2, NM_001407446.1); c.-1183T>C (NM_001407470.1, NM_001407472.1); c.-19+104T>C (NM_001407448.1, NM_001407450.1, NM_001407457.1 and 1 more transcripts); c.-43+104T>C (NM_001407453.1).
Identifiers: ClinVar variation 1447008 (VCV001447008.7), dbSNP rs2149630635, ClinGen allele CA2573138802.

ClinVar aggregate classification (germline): Uncertain significance (1 of 4 stars; one submission).

Conditions:
Familial adenomatous polyposis 1 (FAP1). Also called: FAMILIAL ADENOMATOUS POLYPOSIS 1, ATTENUATED; POLYPOSIS, ADENOMATOUS INTESTINAL. Identifiers: MedGen C2713442, MONDO:0021056, OMIM 175100. Disease mechanism: loss of function.

Submission:

Labcorp Genetics (formerly Invitae), Labcorp
Classification: Uncertain significance for Familial adenomatous polyposis 1. Last evaluated: 2021-11-17. Review status: criteria provided, single submitter. Criteria: Invitae Variant Classification Sherloc (09022015). Collection method: clinical testing. Allele origin: germline.
Comment: This variant occurs in a non-coding region of the APC gene. It does not change the encoded amino acid sequence of the APC protein. This variant has not been reported in the literature in individuals affected with APC-related conditions. This variant is not present in population databases (gnomAD no frequency). Experimental studies and prediction algorithms are not available or were not evaluated, and the functional significance of this variant is currently unknown. In summary, the available evidence is currently insufficient to determine the role of this variant in disease. Therefore, it has been classified as a Variant of Uncertain Significance.